The following is an entry in ClinVar:

NM_152383.5(DIS3L2):c.1126A>G (p.Lys376Glu)

Gene: DIS3L2 (DIS3 like 3'-5' exoribonuclease 2; plus strand). Cytogenetic location: 2q37.1.
Variant type: single nucleotide variant.
Coding change: c.1126A>G on transcript NM_152383.5 (MANE Select); coding-DNA position 1126, A replaced by G.
Protein change: p.Lys376Glu; replaces lysine 376 with glutamic acid.
Molecular consequence: missense variant. On other transcripts: non-coding transcript variant (2).
Genome position (GRCh38, 1-based): chr2:232,210,327, A>G. VCF-style: chr2-232210327-A-G. GRCh37 (hg19) VCF-style: chr2-233075037-A-G.
Other names: c.1126A>G, p.Lys376Glu (NM_001257281.2); short protein forms K376E.
Identifiers: ClinVar variation 571295 (VCV000571295.8), dbSNP rs1559156477, ClinGen allele CA351153969.
Genomic context (GRCh38, chr2:232,210,327, plus strand): 5'-GGTGGGGTAAAGTTGCTATTATTTGTGGCATTGCTAATTGTTTCTTCACTCTTTCCTAGA[A>G]AAGACTGTATCTTCACCATTGACCCATCAACCGCCCGAGACCTCGATGATGCCCTCTCCT-3'
Protein context (NP_689596.4, residues 366-386): EEFSKRRDLR[Lys376Glu]DCIFTIDPST

ClinVar aggregate classification (germline): Uncertain significance (1 of 4 stars; one submission).

Conditions:
Perlman syndrome (PRLMNS). Identifiers: Orphanet 2849, MedGen C0796113, MONDO:0009965, OMIM 267000.

Allele frequency attached by ClinVar (database versions not stated): gnomAD exomes below 0.00001.
gnomAD v4.1: 1 of 1,613,100 alleles (0.000062%); highest among the groups gnomAD compares: Middle Eastern, 0.017%; no homozygotes.

Submission:

Labcorp Genetics (formerly Invitae), Labcorp
Classification: Uncertain significance for Perlman syndrome. Last evaluated: 2018-01-29. Review status: criteria provided, single submitter. Criteria: Invitae Variant Classification Sherloc (09022015). Collection method: clinical testing. Allele origin: germline.
Comment: This variant is not present in population databases (ExAC no frequency). In summary, the available evidence is currently insufficient to determine the role of this variant in disease. Therefore, it has been classified as a Variant of Uncertain Significance. Algorithms developed to predict the effect of missense changes on protein structure and function (SIFT, PolyPhen-2, Align-GVGD) all suggest that this variant is likely to be tolerated, but these predictions have not been confirmed by published functional studies and their clinical significance is uncertain. This variant has not been reported in the literature in individuals with DIS3L2-related disease. This sequence change replaces lysine with glutamic acid at codon 376 of the DIS3L2 protein (p.Lys376Glu). The lysine residue is moderately conserved and there is a small physicochemical difference between lysine and glutamic acid.